The following is an entry in ClinVar:

ClinVar aggregate classification (germline): Uncertain significance (1 of 4 stars; one submission).

Conditions:
Multiple endocrine neoplasia, type 2 (MEN2). Identifiers: Orphanet 653, MedGen C4048306, MONDO:0019003. Disease mechanism: gain of function.

Submission:

Labcorp Genetics (formerly Invitae), Labcorp
Classification: Uncertain significance for Multiple endocrine neoplasia, type 2. Last evaluated: 2022-06-15. Review status: criteria provided, single submitter. Criteria: Invitae Variant Classification Sherloc (09022015). Collection method: clinical testing. Allele origin: germline.
Comment: In summary, the available evidence is currently insufficient to determine the role of this variant in disease. Therefore, it has been classified as a Variant of Uncertain Significance. Algorithms developed to predict the effect of missense changes on protein structure and function (SIFT, PolyPhen-2, Align-GVGD) all suggest that this variant is likely to be disruptive. ClinVar contains an entry for this variant (Variation ID: 839678). This variant has not been reported in the literature in individuals affected with RET-related conditions. This variant is not present in population databases (gnomAD no frequency). This sequence change replaces arginine, which is basic and polar, with lysine, which is basic and polar, at codon 544 of the RET protein (p.Arg544Lys).

NM_020975.6(RET):c.1631G>A (p.Arg544Lys)

Gene: RET (ret proto-oncogene; plus strand). Cytogenetic location: 10q11.21.
Variant type: single nucleotide variant.
Coding change: c.1631G>A on transcript NM_020975.6 (MANE Select); coding-DNA position 1631, G replaced by A.
Protein change: p.Arg544Lys; replaces arginine 544 with lysine.
Molecular consequence: missense variant.
Genome position (GRCh38, 1-based): chr10:43,112,207, G>A. VCF-style: chr10-43112207-G-A. GRCh37 (hg19) VCF-style: chr10-43607655-G-A.
Other names: c.1631G>A, p.Arg544Lys (NM_000323.2, NM_001406743.1, NM_001406744.1 and 6 more transcripts); c.869G>A, p.Arg290Lys (NM_001355216.2); c.1502G>A, p.Arg501Lys (NM_001406761.1, NM_001406762.1, NM_001406764.1 and 1 more transcripts); c.1343G>A, p.Arg448Lys (NM_001406766.1, NM_001406767.1, NM_001406770.1); c.1235G>A, p.Arg412Lys (NM_001406769.1, NM_001406772.1); c.1193G>A, p.Arg398Lys (NM_001406771.1, NM_001406773.1); c.1106G>A, p.Arg369Lys (NM_001406774.1); c.905G>A, p.Arg302Lys (NM_001406775.1, NM_001406776.1, NM_001406777.1 and 1 more transcripts); and 5 more; short protein forms R290K, R544K, R369K, R448K, R202K, R245K, R412K, R501K.
Identifiers: ClinVar variation 839678 (VCV000839678.10), dbSNP rs1837954895, ClinGen allele CA376550814.